The following is an entry in ClinVar:

ClinVar aggregate classification (germline): Uncertain significance (1 of 4 stars; one submission).

Conditions:
Catecholaminergic polymorphic ventricular tachycardia 1. Also called: VENTRICULAR TACHYCARDIA, STRESS-INDUCED POLYMORPHIC 1; RYR2-Related Catecholaminergic Polymorphic Ventricular Tachycardia; VENTRICULAR TACHYCARDIA, CATECHOLAMINERGIC POLYMORPHIC, 1, WITH OR WITHOUT ATRIAL DYSFUNCTION AND/OR DILATED CARDIOMYOPATHY. Identifiers: Orphanet 3286, MedGen C1631597, MONDO:0011484, OMIM 604772.

Submission:

Labcorp Genetics (formerly Invitae), Labcorp
Classification: Uncertain significance for Catecholaminergic polymorphic ventricular tachycardia 1. Last evaluated: 2025-11-21. Review status: criteria provided, single submitter. Criteria: Invitae Variant Classification Sherloc (09022015). Collection method: clinical testing. Allele origin: germline.
Comment: This variant, c.959_961del, results in the deletion of 1 amino acid(s) of the CASQ2 protein (p.Lys320del), but otherwise preserves the integrity of the reading frame. This variant is not present in population databases (gnomAD no frequency). This variant has not been reported in the literature in individuals affected with CASQ2-related conditions. Experimental studies and prediction algorithms are not available or were not evaluated, and the functional significance of this variant is currently unknown. In summary, the available evidence is currently insufficient to determine the role of this variant in disease. Therefore, it has been classified as a Variant of Uncertain Significance.

NM_001232.4(CASQ2):c.956AGA[1] (p.Lys320del)

Gene: CASQ2 (calsequestrin 2; minus strand). Cytogenetic location: 1p13.1.
Variant type: Microsatellite.
Coding change: c.956AGA[1] on transcript NM_001232.4 (MANE Select); one copy of the 3-base unit AGA starting at c.956; the reference has two copies in a row; one copy, 3 bases deleted.
Protein change: p.Lys320del; deletes lysine 320.
Genome position (GRCh38, 1-based): chr1:115,702,974-115,702,976, TCT deleted on the plus strand (AGA on the coding strand, the reverse complement: CASQ2 is on the minus strand); deleting any 3 consecutive bases within chr1:115,702,974-115,702,979 gives the same sequence; the position shown is the placement nearest the transcript's 3' end. VCF-style (leftmost placement, unchanged base first): chr1-115702973-GTCT-G. GRCh37 (hg19) VCF-style: chr1-116245594-GTCT-G.
Other names: short protein forms K320del.
Identifiers: ClinVar variation 4774507 (VCV004774507.1).